The following is an entry in ClinVar:

ClinVar aggregate classification (germline): Pathogenic/Likely pathogenic. Review status: criteria provided, multiple submitters, no conflicts (2 of 4 stars). 25 submissions from 25 submitters: Pathogenic (13); Likely pathogenic (9). 3 of the submissions do not count toward it. Last evaluated 2026-06-26.

Conditions:
Cardiovascular phenotype. Identifiers: MedGen CN230736.
TNNI3-related disorder. Also called: TNNI3-related disorders; TNNI3-related condition.
Cardiac arrest. Identifiers: MedGen C0018790, MONDO:0000745, HP:0001695.
Cardiomyopathy, familial restrictive, 1. Identifiers: Orphanet 75249, MedGen C1861861, MONDO:0007270, OMIM 115210.
Hypertrophic cardiomyopathy 7. Also called: CARDIOMYOPATHY, FAMILIAL HYPERTROPHIC, 7, MODIFIER OF; Familial hypertrophic cardiomyopathy 7; TNNI3-Related Familial Hypertrophic Cardiomyopathy. Identifiers: MedGen C1860752, MONDO:0013369, OMIM 613690.
Dilated cardiomyopathy 2A (CMD2A). Also called: CARDIOMYOPATHY, CONGESTIVE, AUTOSOMAL RECESSIVE; CARDIOMYOPATHY, DILATED, AUTOSOMAL RECESSIVE. Identifiers: Orphanet 154, MedGen C2678474, MONDO:0012746, OMIM 611880.
Dilated cardiomyopathy 1FF (CMD1FF). Identifiers: Orphanet 154, MedGen C2750091, MONDO:0013211, OMIM 613286.
Cardiomyopathy (CMYO). Also called: Cardiomyopathies. Identifiers: Orphanet 167848, MedGen C0878544, MONDO:0004994, HP:0001638. Inheritance: Various modes of inheritance.
Primary familial hypertrophic cardiomyopathy (HCM). Identifiers: Orphanet 99739, MedGen C0949658, MeSH D024741, MONDO:0024573. Inheritance: Various modes of inheritance.
Hypertrophic cardiomyopathy. Also called: HYPERTROPHIC MYOCARDIOPATHY. Identifiers: Orphanet 217569, MedGen C0007194, MeSH D002312, MONDO:0005045, HP:0001639.

Allele frequency attached by ClinVar (database versions not stated): TOPMed 0.00004; gnomAD 0.00004.

Submissions 1 to 9 of 25:

Clinical Genetics Laboratory, Skane University Hospital Lund
Classification: Likely pathogenic for Cardiac arrest. Last evaluated: 2026-06-26. Review status: criteria provided, single submitter. Criteria: ACMG Guidelines, 2015. Collection method: clinical testing. Allele origin: germline. Affected: yes.
Comment: Criterias used: ClinGen Cardiomyopathy Expert Panel Specifications to the ACMG/AMP Variant Interpretation Guidelines for TNNI3 Version 1.0.0: PS4, PM1, PM2_Supporting, PM6_Supporting, PP1.

Women's Health and Genetics/Laboratory Corporation of America, LabCorp
Classification: Pathogenic for Primary familial hypertrophic cardiomyopathy. Last evaluated: 2026-03-23. Review status: criteria provided, single submitter. Criteria: LabCorp Variant Classification Summary - May 2015. Collection method: clinical testing. Allele origin: germline.
Comment: Variant summary: TNNI3 c.422G>A (p.Arg141Gln) results in a conservative amino acid change in the encoded protein sequence. Algorithms developed to predict the effect of missense changes on protein structure and function are either unavailable or do not agree on the potential impact of this missense change. The variant was absent in 248702 control chromosomes. c.422G>A has been observed in multiple individuals affected with Hypertrophic Cardiomyopathy. These data indicate that the variant is very likely to be associated with disease. To our knowledge, no experimental evidence demonstrating an impact on protein function has been reported. The following publications have been ascertained in the context of this evaluation (PMID: 12707239, 27532257). ClinVar contains an entry for this variant (Variation ID: 43381). Based on the evidence outlined above, the variant was classified as pathogenic.

PreventionGenetics, part of Exact Sciences
Classification: Pathogenic for TNNI3-related condition. Last evaluated: 2026-03-05. Review status: criteria provided, single submitter. Criteria: ACMG Guidelines, 2015. Collection method: clinical testing. Allele origin: germline.
Comment: The TNNI3 c.422G>A variant is predicted to result in the amino acid substitution p.Arg141Gln. This variant has been reported in individuals with hypertrophic cardiomyopathy, including one in whom it presumably occurred de novo, and it has also segregated with disease in family members (see, for example, Richard et al. 2003. PubMed ID: 12707239; Curila et al. 2009. PubMed ID: 19645627; Table S8, McGurk et al. 2023. PubMed ID: 37652022). In one individual with a more severe phenotype, it occurred in the homozygous state (Mogensen et al. 2004. PubMed ID: 15607392). Experimental studies indicate this variant impacts protein function (Elezaby et al. 2024. PubMed ID: 39196031). This variant is reported in 0.011% of alleles in individuals of African descent in gnomAD. This variant is interpreted as pathogenic.

CeGaT Center for Human Genetics Tuebingen
Classification: Pathogenic. Last evaluated: 2026-03-01. Review status: criteria provided, single submitter. Criteria: CeGaT Center For Human Genetics Tuebingen Variant Classification Criteria Version 2. Collection method: clinical testing. Allele origin: germline. Affected: yes. Observed: 1 variant allele.
Comment: TNNI3: PS4, PM1, PM2, PM5

Labcorp Genetics (formerly Invitae), Labcorp
Classification: Pathogenic for Hypertrophic cardiomyopathy. Last evaluated: 2026-01-28. Review status: criteria provided, single submitter. Criteria: Invitae Variant Classification Sherloc (09022015). Collection method: clinical testing. Allele origin: germline.
Comment: This sequence change replaces arginine, which is basic and polar, with glutamine, which is neutral and polar, at codon 141 of the TNNI3 protein (p.Arg141Gln). This variant is present in population databases (rs397516347, gnomAD 0.01%). This missense change has been observed in individuals with autosomal dominant hypertrophic cardiomyopathy (PMID: 12707239, 15607392, 18403758, 19645627, 22429680, 22876777, 23283745, 25524337). ClinVar contains an entry for this variant (Variation ID: 43381). An algorithm developed to predict the effect of missense changes on protein structure and function (PolyPhen-2) suggests that this variant is likely to be disruptive. For these reasons, this variant has been classified as Pathogenic.

Clinical Genomics Laboratory, Washington University in St. Louis
Classification: Pathogenic for Hypertrophic cardiomyopathy 7. Last evaluated: 2025-11-13. Review status: criteria provided, single submitter. Criteria: ACMG Guidelines, 2015. Collection method: clinical testing. Allele origin: germline. Affected: yes.
Comment: The TNNI3 c.422G>A (p.Arg141Gln) variant has been reported in several individuals affected with hypertrophic cardiomyopathy (HCM) and is reported to segregate with disease in six individuals from four families (Coppini R et al., PMID: 25524337; Curila K et al., PMID: 19645627; Kapplinger JD et al., PMID: 24510615; Mogensen J et al., PMID: 15607392; Morita H et al., PMID: 18403758; Ramachandran G et al., PMID: 23967088; Rani DS et al., PMID: 22876777; Santos S et al., PMID: 22429680; Walsh R et al., PMID: 27532257; van den Winjngaard A et al., PMID: 21533915; Zou Y et al., PMID: 23283745). This variant has been reported in the ClinVar database as a germline pathogenic variant by nine submitters and as a germline likely pathogenic variant by eight submitters. It is observed in only 1/31370 alleles in the general population (gnomAD v.2.1.1), indicating that it is not a common variant. Computational predictors are uncertain regarding the impact of this variant on TNNI3 function. This variant resides within a region, codons 141–209 of TNNI3, that is defined as a critical functional domain (Tripet B et al., PMID: 9299323). Functional studies suggest conformational changes due to differences in the observed contacts, resulting in an increase in potential energy (−3238 kcal/mol) in molecular modeling, indicating that this variant impacts protein function (Ramachandran G et al., PMID: 23967088). Based on available information and the ClinGen Cardiomyopathy Expert Panel Specifications to the ACMG/AMP Variant Interpretation Guidelines for TNNI3 Version 1.0.0, this variant is classified as pathogenic.

Molecular Diagnostic Laboratory for Inherited Cardiovascular Disease, Montreal Heart Institute
Classification: Pathogenic for Cardiovascular phenotype. Last evaluated: 2025-03-04. Review status: criteria provided, single submitter. Criteria: ACMG Guidelines, 2015. Collection method: clinical testing. Allele origin: germline. Affected: yes.
Comment: PS4, PM1, PM2, PM5_supp, PP2, PP3

Revvity Omics, Revvity
Classification: Likely pathogenic. Last evaluated: 2025-01-27. Review status: criteria provided, single submitter. Criteria: ACMG Guidelines, 2015. Collection method: clinical testing. Allele origin: germline.

All of Us Research Program, National Institutes of Health
Classification: Likely pathogenic for Hypertrophic cardiomyopathy. Last evaluated: 2024-09-27. Review status: criteria provided, single submitter. Criteria: ACMG Guidelines, 2015. Collection method: clinical testing. Allele origin: germline. Inheritance: Autosomal dominant inheritance. Observed: 3 variant alleles, 3 heterozygotes.
Comment: This missense variant is located in the inhibitory, actin binding region of the TNNI3 protein. Computational prediction tools and conservation analyses suggest that this variant may have deleterious impact on the protein function. Computational splicing tools suggest that this variant may not impact the RNA splicing. To our knowledge, functional assays have not been performed for this variant. This variant has been reported in more than ten individuals affected with hypertrophic cardiomyopathy (PMID: 12707239, 18403758, 23283745, 19645627, 22429680, 25524337, 22876777), including a homozygous individual who showed a severe phenotype (PMID: 15607392). This variant has been identified in 1/30938 chromosomes by the Genome Aggregation Database (gnomAD). Based on available evidence, this variant is classified as Likely Pathogenic.

This study involves interpretation of variants in research participants for the purpose of population health screening. Participant phenotype was not available at the time of variant classification. Additional details can be found in publication PMID: 35346344, PMCID: PMC8962531

NM_000363.5(TNNI3):c.422G>A (p.Arg141Gln)

Gene: TNNI3 (troponin I3, cardiac type; minus strand). Cytogenetic location: 19q13.42.
Variant type: single nucleotide variant.
Coding change: c.422G>A on transcript NM_000363.5 (MANE Select); coding-DNA position 422, G replaced by A.
Protein change: p.Arg141Gln; replaces arginine 141 with glutamine.
Molecular consequence: missense variant.
Genome position (GRCh38, 1-based): chr19:55,154,157, C>T on the plus strand (G>A on the coding strand, the complement: TNNI3 is on the minus strand). VCF-style: chr19-55154157-C-T. GRCh37 (hg19) VCF-style: chr19-55665525-C-T.
Other names: p.R141Q:CGG>CAG; short protein forms R141Q.
Identifiers: ClinVar variation 43381 (VCV000043381.50), dbSNP rs397516347, ClinGen allele CA021635.